The following is an entry in ClinVar:

ClinVar aggregate classification (germline): Uncertain significance (1 of 4 stars; one submission).

Conditions:
Hereditary cancer-predisposing syndrome. Also called: Tumor predisposition; Hereditary neoplastic syndrome; Neoplastic Syndromes, Hereditary; Hereditary Cancer Syndrome. Identifiers: Orphanet 140162, MedGen C0027672, MeSH D009386, MONDO:0015356.

Submission:

Ambry Genetics
Classification: Uncertain significance for Hereditary cancer-predisposing syndrome. Last evaluated: 2025-03-26. Review status: criteria provided, single submitter. Criteria: Ambry Variant Classification Scheme 2023. Collection method: clinical testing. Allele origin: germline.
Comment: The p.E592D variant (also known as c.1776A>T), located in coding exon 12 of the CTNNA1 gene, results from an A to T substitution at nucleotide position 1776. The glutamic acid at codon 592 is replaced by aspartic acid, an amino acid with highly similar properties. This amino acid position is conserved. In addition, this alteration is predicted to be tolerated by in silico analysis. Based on the available evidence, the clinical significance of this variant remains unclear.

NM_001903.5(CTNNA1):c.1776A>T (p.Glu592Asp)

Gene: CTNNA1 (catenin alpha 1; plus strand). Cytogenetic location: 5q31.2.
Variant type: single nucleotide variant.
Coding change: c.1776A>T on transcript NM_001903.5 (MANE Select); coding-DNA position 1776, A replaced by T.
Protein change: p.Glu592Asp; replaces glutamic acid 592 with aspartic acid.
Molecular consequence: missense variant.
Genome position (GRCh38, 1-based): chr5:138,925,284, A>T. VCF-style: chr5-138925284-A-T. GRCh37 (hg19) VCF-style: chr5-138260973-A-T.
Other names: c.666A>T, p.Glu222Asp (NM_001323990.1, NM_001323991.1, NM_001323992.1 and 17 more transcripts); c.1776A>T, p.Glu592Asp (NM_001290307.3, NM_001323982.2, NM_001323983.1 and 2 more transcripts); c.1467A>T, p.Glu489Asp (NM_001290309.3); c.1407A>T, p.Glu469Asp (NM_001290310.3); c.1683A>T, p.Glu561Asp (NM_001323986.2); c.327A>T, p.Glu109Asp (NM_001324006.1, NM_001324007.1, NM_001324008.1 and 2 more transcripts); c.573A>T, p.Glu191Asp (NM_001324011.1); c.423A>T, p.Glu141Asp (NM_001324012.1, NM_001324013.1); short protein forms E109D, E191D, E141D, E222D, E489D, E561D, E469D, E592D.
Identifiers: ClinVar variation 4007964 (VCV004007964.1).